The following is an entry in ClinVar:

ClinVar aggregate classification (germline): Likely benign (1 of 4 stars; one submission).

Submission:

CeGaT Center for Human Genetics Tuebingen
Classification: Likely benign. Last evaluated: 2026-04-01. Review status: criteria provided, single submitter. Criteria: CeGaT Center For Human Genetics Tuebingen Variant Classification Criteria Version 2. Collection method: clinical testing. Allele origin: germline. Affected: yes. Observed: 1 variant allele.
Comment: TENT4B: BP4, BP7

NM_001365324.3(TENT4B):c.453C>G (p.Ala151=)

Genes: TENT4B (terminal nucleotidyltransferase 4B; plus strand), LOC130058985 (ATAC-STARR-seq lymphoblastoid silent region 7477; plus strand). Cytogenetic location: 16q12.1.
Variant type: single nucleotide variant.
Coding change: c.453C>G on transcript NM_001365324.3 (MANE Select); coding-DNA position 453, C replaced by G.
Protein change: p.Ala151=; no amino-acid change (alanine 151 retained).
Molecular consequence: synonymous variant.
Genome position (GRCh38, 1-based): chr16:50,154,074, C>G. VCF-style: chr16-50154074-C-G. GRCh37 (hg19) VCF-style: chr16-50187985-C-G.
Other names: c.408C>G, p.Ala136= (NM_001040284.3, NM_001040285.3); c.393C>G, p.Ala131= (NM_001365323.2).
Identifiers: ClinVar variation 4873828 (VCV004873828.2).